The following is an entry in ClinVar:

NM_005633.4(SOS1):c.3859A>T (p.Ile1287Phe)

Gene: SOS1 (SOS Ras/Rac guanine nucleotide exchange factor 1; minus strand). Cytogenetic location: 2p22.1.
Variant type: single nucleotide variant.
Coding change: c.3859A>T on transcript NM_005633.4 (MANE Select); coding-DNA position 3859, A replaced by T.
Protein change: p.Ile1287Phe; replaces isoleucine 1287 with phenylalanine.
Molecular consequence: missense variant.
Genome position (GRCh38, 1-based): chr2:38,985,967, T>A on the plus strand (A>T on the coding strand, the complement: SOS1 is on the minus strand). VCF-style: chr2-38985967-T-A. GRCh37 (hg19) VCF-style: chr2-39213108-T-A.
Other names: c.3838A>T, p.Ile1280Phe (NM_001382394.1); c.3814A>T, p.Ile1272Phe (NM_001382395.1); short protein forms I1272F, I1280F, I1287F.
Identifiers: ClinVar variation 4800174 (VCV004800174.1).

ClinVar aggregate classification (germline): Uncertain significance (1 of 4 stars; one submission).

Conditions:
RASopathy. Also called: rasopathies; Noonan spectrum disorder. Identifiers: Orphanet 536391, MedGen C5555857, MONDO:0021060.

Submission:

Labcorp Genetics (formerly Invitae), Labcorp
Classification: Uncertain significance for RASopathy. Last evaluated: 2025-04-06. Review status: criteria provided, single submitter. Criteria: Invitae Variant Classification Sherloc (09022015). Collection method: clinical testing. Allele origin: germline.
Comment: This sequence change replaces isoleucine, which is neutral and non-polar, with phenylalanine, which is neutral and non-polar, at codon 1287 of the SOS1 protein (p.Ile1287Phe). This variant is not present in population databases (gnomAD no frequency). This variant has not been reported in the literature in individuals affected with SOS1-related conditions. Invitae Evidence Modeling of protein sequence and biophysical properties (such as structural, functional, and spatial information, amino acid conservation, physicochemical variation, residue mobility, and thermodynamic stability) indicates that this missense variant is not expected to disrupt SOS1 protein function with a negative predictive value of 95%. In summary, the available evidence is currently insufficient to determine the role of this variant in disease. Therefore, it has been classified as a Variant of Uncertain Significance.